The following is an entry in ClinVar:

NM_024312.5(GNPTAB):c.3034C>T (p.Gln1012Ter)

Gene: GNPTAB (N-acetylglucosamine-1-phosphate transferase subunits alpha and beta; minus strand). Cytogenetic location: 12q23.2.
Variant type: single nucleotide variant.
Coding change: c.3034C>T on transcript NM_024312.5 (MANE Select); coding-DNA position 3034, C replaced by T.
Protein change: p.Gln1012Ter; replaces glutamine 1012 with a stop codon.
Molecular consequence: nonsense.
Genome position (GRCh38, 1-based): chr12:101,761,228, G>A on the plus strand (C>T on the coding strand, the complement: GNPTAB is on the minus strand). VCF-style: chr12-101761228-G-A. GRCh37 (hg19) VCF-style: chr12-102155006-G-A.
Other names: short protein forms Q1012*.
Identifiers: ClinVar variation 1388742 (VCV001388742.6), dbSNP rs2137112043, ClinGen allele CA386295489.

ClinVar aggregate classification (germline): Pathogenic (1 of 4 stars; one submission).

Conditions:
Pseudo-Hurler polydystrophy. Also called: ML III; ML III ALPHA/BETA; MUCOLIPIDOSIS IIIA; Type III Mucolipidosis; ML IIIA; Mucolipidosis III Alpha/Beta. Identifiers: Orphanet 423461, Orphanet 577, MedGen C0033788, MONDO:0018931, OMIM 252600.
Mucolipidosis type II. Also called: ML II ALPHA/BETA; Mucolipidosis 2; ML 2; Inclusion cell disease; Leroy Disease; N-acetylglucosamine 1phosphotransferase deficiency. Identifiers: Orphanet 576, MedGen C2673377, MONDO:0009650, OMIM 252500.

Submission:

Labcorp Genetics (formerly Invitae), Labcorp
Classification: Pathogenic for Pseudo-Hurler polydystrophy; Mucolipidosis type II. Last evaluated: 2022-08-19. Review status: criteria provided, single submitter. Criteria: Invitae Variant Classification Sherloc (09022015). Collection method: clinical testing. Allele origin: germline.
Comment: For these reasons, this variant has been classified as Pathogenic. Algorithms developed to predict the effect of sequence changes on RNA splicing suggest that this variant may disrupt the consensus splice site. ClinVar contains an entry for this variant (Variation ID: 1388742). This variant has not been reported in the literature in individuals affected with GNPTAB-related conditions. This variant is not present in population databases (gnomAD no frequency). This sequence change creates a premature translational stop signal (p.Gln1012*) in the GNPTAB gene. It is expected to result in an absent or disrupted protein product. Loss-of-function variants in GNPTAB are known to be pathogenic (PMID: 19617216, 25107912).

Literature cited by the submitters: PubMed 19617216; PubMed 25107912.